The following is an entry in ClinVar:

ClinVar aggregate classification (germline): Uncertain significance. Review status: criteria provided, multiple submitters, no conflicts (2 of 4 stars). 2 submissions from 2 submitters: Uncertain significance (2). Last evaluated 2025-04-18.

Conditions:
Monocytopenia with susceptibility to infections. Also called: MONOCYTOPENIA AND MYCOBACTERIAL INFECTION SYNDROME; MONOCYTOPENIA WITH SUSCEPTIBILITY TO MYCOBACTERIAL, FUNGAL, AND PAPILLOMAVIRUS INFECTIONS AND MYELODYSPLASIA; COMBINED IMMUNODEFICIENCY WITH SUSCEPTIBILITY TO MYCOBACTERIAL, VIRAL, AND FUNGAL INFECTIONS; Dendritic cell, monocyte, B lymphocyte, and natural killer lymphocyte deficiency; IMMUNODEFICIENCY 21; GATA2 DEFICIENCY. Identifiers: Orphanet 228423, MedGen C3280030, MONDO:0013607, OMIM 614172.
Deafness-lymphedema-leukemia syndrome. Also called: Lymphedema, primary, with myelodysplasia; Emberger syndrome. Identifiers: Orphanet 3226, MedGen C3279664, MONDO:0013540, OMIM 614038.
Inborn genetic diseases. Identifiers: MedGen C0950123, MeSH D030342.

gnomAD v4.1: 2 of 1,601,356 alleles (0.00012%); highest among the groups gnomAD compares: Non-Finnish European, 0.00017%; no homozygotes.

Submissions (2):

Ambry Genetics
Classification: Uncertain significance for Inborn genetic diseases. Last evaluated: 2025-04-18. Review status: criteria provided, single submitter. Criteria: Ambry Variant Classification Scheme 2023. Collection method: clinical testing. Allele origin: germline.
Comment: The p.T80N variant (also known as c.239C>A), located in coding exon 2 of the GATA2 gene, results from a C to A substitution at nucleotide position 239. The threonine at codon 80 is replaced by asparagine, an amino acid with similar properties. This amino acid position is conserved. In addition, the in silico prediction for this alteration is inconclusive. Based on the available evidence, the clinical significance of this variant remains unclear.

Labcorp Genetics (formerly Invitae), Labcorp
Classification: Uncertain significance for Monocytopenia with susceptibility to infections; Deafness-lymphedema-leukemia syndrome. Last evaluated: 2022-08-09. Review status: criteria provided, single submitter. Criteria: Invitae Variant Classification Sherloc (09022015). Collection method: clinical testing. Allele origin: germline.
Comment: This sequence change replaces threonine, which is neutral and polar, with asparagine, which is neutral and polar, at codon 80 of the GATA2 protein (p.Thr80Asn). This variant is not present in population databases (gnomAD no frequency). This variant has not been reported in the literature in individuals affected with GATA2-related conditions. ClinVar contains an entry for this variant (Variation ID: 962863). Advanced modeling of protein sequence and biophysical properties (such as structural, functional, and spatial information, amino acid conservation, physicochemical variation, residue mobility, and thermodynamic stability) performed at Invitae indicates that this missense variant is not expected to disrupt GATA2 protein function. In summary, the available evidence is currently insufficient to determine the role of this variant in disease. Therefore, it has been classified as a Variant of Uncertain Significance.

NM_032638.5(GATA2):c.239C>A (p.Thr80Asn)

Gene: GATA2 (GATA binding protein 2; minus strand). Cytogenetic location: 3q21.3.
Variant type: single nucleotide variant.
Coding change: c.239C>A on transcript NM_032638.5 (MANE Select); coding-DNA position 239, C replaced by A.
Protein change: p.Thr80Asn; replaces threonine 80 with asparagine.
Molecular consequence: missense variant.
Genome position (GRCh38, 1-based): chr3:128,486,359, G>T on the plus strand (C>A on the coding strand, the complement: GATA2 is on the minus strand). VCF-style: chr3-128486359-G-T. GRCh37 (hg19) VCF-style: chr3-128205202-G-T.
Other names: c.239C>A, p.Thr80Asn (NM_001145661.2, NM_001145662.1); short protein forms T80N.
Identifiers: ClinVar variation 962863 (VCV000962863.10), dbSNP rs1371798524, ClinGen allele CA354407934.